The following is an entry in ClinVar:

NM_031418.4(ANO3):c.2761G>C (p.Glu921Gln)

Gene: ANO3 (anoctamin 3; plus strand). Cytogenetic location: 11p14.2.
Variant type: single nucleotide variant.
Coding change: c.2761G>C on transcript NM_031418.4 (MANE Select); coding-DNA position 2761, G replaced by C.
Protein change: p.Glu921Gln; replaces glutamic acid 921 with glutamine.
Molecular consequence: missense variant.
Genome position (GRCh38, 1-based): chr11:26,656,479, G>C. VCF-style: chr11-26656479-G-C. GRCh37 (hg19) VCF-style: chr11-26678026-G-C.
Other names: c.2944G>C, p.Glu982Gln (NM_001313726.2); c.2323G>C, p.Glu775Gln (NM_001313727.2); short protein forms E775Q, E921Q, E982Q.
Identifiers: ClinVar variation 4805175 (VCV004805175.2).

ClinVar aggregate classification (germline): Uncertain significance. Review status: criteria provided, multiple submitters, no conflicts (2 of 4 stars). 2 submissions from 2 submitters: Uncertain significance (2). Last evaluated 2025-02-25.

Conditions:
Dystonic disorder. Also called: Dystonia. Identifiers: MedGen C0013421, MONDO:0003441, HP:0001332.

gnomAD v4.1: 7 of 1,579,144 alleles (0.00044%); highest among the groups gnomAD compares: Non-Finnish European, 0.00061%; no homozygotes.

Submissions (2):

Labcorp Genetics (formerly Invitae), Labcorp
Classification: Uncertain significance for Dystonic disorder. Last evaluated: 2025-02-25. Review status: criteria provided, single submitter. Criteria: Invitae Variant Classification Sherloc (09022015). Collection method: clinical testing. Allele origin: germline.
Comment: This sequence change replaces glutamic acid, which is acidic and polar, with glutamine, which is neutral and polar, at codon 921 of the ANO3 protein (p.Glu921Gln). This variant is present in population databases (rs769751189, gnomAD 0.0009%). This variant has not been reported in the literature in individuals affected with ANO3-related conditions. Invitae Evidence Modeling of protein sequence and biophysical properties (such as structural, functional, and spatial information, amino acid conservation, physicochemical variation, residue mobility, and thermodynamic stability) has been performed for this missense variant. However, the output from this modeling did not meet the statistical confidence thresholds required to predict the impact of this variant on ANO3 protein function. In summary, the available evidence is currently insufficient to determine the role of this variant in disease. Therefore, it has been classified as a Variant of Uncertain Significance.

Blueprint Genetics
Classification: Uncertain significance. Last evaluated: 2020-08-10. Review status: criteria provided, single submitter. Criteria: ACMG Guidelines, 2015. Collection method: clinical testing. Allele origin: germline.